The following is an entry in ClinVar:

NM_001204.7(BMPR2):c.2854A>G (p.Ser952Gly)

Gene: BMPR2 (bone morphogenetic protein receptor type 2; plus strand). Cytogenetic location: 2q33.2.
Variant type: single nucleotide variant.
Coding change: c.2854A>G on transcript NM_001204.7 (MANE Select); coding-DNA position 2854, A replaced by G.
Protein change: p.Ser952Gly; replaces serine 952 with glycine.
Molecular consequence: missense variant.
Genome position (GRCh38, 1-based): chr2:202,556,519, A>G. VCF-style: chr2-202556519-A-G. GRCh37 (hg19) VCF-style: chr2-203421242-A-G.
Other names: short protein forms S952G.
Identifiers: ClinVar variation 3585308 (VCV003585308.2).

ClinVar aggregate classification (germline): Uncertain significance. Review status: criteria provided, multiple submitters, no conflicts (2 of 4 stars). 2 submissions from 2 submitters: Uncertain significance (2). Last evaluated 2025-02-03.

Conditions:
Pulmonary hypertension, primary, 1 (PPH1). Also called: Pulmonary hypertension, familial primary, 1, with or without HHT. Identifiers: Orphanet 422, MedGen C4552070, MONDO:0024533, OMIM 178600.
Pulmonary venoocclusive disease 1 (PVOD1). Also called: Pulmonary venoocclusive disease 1, autosomal dominant. Identifiers: Orphanet 31837, MedGen C3887658, MONDO:0020713, OMIM 265450.
Inborn genetic diseases. Identifiers: MedGen C0950123, MeSH D030342.

gnomAD v4.1: 5 of 1,612,788 alleles (0.00031%); highest among the groups gnomAD compares: South Asian, 0.0022%; no homozygotes.

Submissions (2):

Ambry Genetics
Classification: Uncertain significance for Inborn genetic diseases. Last evaluated: 2025-02-03. Review status: criteria provided, single submitter. Criteria: Ambry Variant Classification Scheme 2023. Collection method: clinical testing. Allele origin: germline.
Comment: The p.S952G variant (also known as c.2854A>G), located in coding exon 12 of the BMPR2 gene, results from an A to G substitution at nucleotide position 2854. The serine at codon 952 is replaced by glycine, an amino acid with similar properties. This amino acid position is conserved. In addition, this alteration is predicted to be tolerated by in silico analysis. Based on the available evidence, the clinical significance of this variant remains unclear.

Fulgent Genetics
Classification: Uncertain significance for Pulmonary hypertension, primary, 1; Pulmonary venoocclusive disease 1. Last evaluated: 2024-06-05. Review status: criteria provided, single submitter. Criteria: ACMG Guidelines, 2015. Collection method: clinical testing. Allele origin: germline.